The following is an entry in ClinVar:

ClinVar aggregate classification (germline): Uncertain significance (1 of 4 stars; one submission).

Conditions:
Familial thoracic aortic aneurysm and aortic dissection (TAAD). Also called: Thoracic aortic aneurysms and dissections. Identifiers: Orphanet 91387, MedGen C4707243, MONDO:0019625.

gnomAD v4.1: 4 of 1,613,950 alleles (0.00025%); highest among the groups gnomAD compares: Admixed American, 0.005%; no homozygotes.

Submission:

Ambry Genetics
Classification: Uncertain significance for Familial thoracic aortic aneurysm and aortic dissection. Last evaluated: 2026-05-14. Review status: criteria provided, single submitter. Criteria: Ambry Variant Classification Scheme 2023. Collection method: clinical testing. Allele origin: germline.
Comment: The p.D778Y variant (also known as c.2332G>T), located in coding exon 33 of the COL3A1 gene, results from a G to T substitution at nucleotide position 2332. The aspartic acid at codon 778 is replaced by tyrosine, an amino acid with highly dissimilar properties. This amino acid position is conserved. In addition, this alteration is predicted to be deleterious by in silico analysis. Based on the available evidence, the clinical significance of this variant remains unclear.

NM_000090.4(COL3A1):c.2332G>T (p.Asp778Tyr)

Gene: COL3A1 (collagen type III alpha 1 chain; plus strand). Cytogenetic location: 2q32.2.
Variant type: single nucleotide variant.
Coding change: c.2332G>T on transcript NM_000090.4 (MANE Select); coding-DNA position 2332, G replaced by T.
Protein change: p.Asp778Tyr; replaces aspartic acid 778 with tyrosine.
Molecular consequence: missense variant.
Genome position (GRCh38, 1-based): chr2:189,001,445, G>T. VCF-style: chr2-189001445-G-T. GRCh37 (hg19) VCF-style: chr2-189866171-G-T.
Other names: short protein forms D778Y.
Identifiers: ClinVar variation 4869173 (VCV004869173.1).